The following is an entry in ClinVar:

ClinVar aggregate classification (germline): Pathogenic (1 of 4 stars; one submission).

Conditions:
Joubert syndrome. Also called: CEREBELLOPARENCHYMAL DISORDER IV; JOUBERT-BOLTSHAUSER SYNDROME; Familial aplasia of the vermis. Identifiers: Orphanet 475, MedGen C5979921, MONDO:0018772.
Meckel-Gruber syndrome. Also called: DYSENCEPHALIA SPLANCHNOCYSTICA; GRUBER SYNDROME; Dysencephalia splachnocystica. Identifiers: Orphanet 564, MedGen C0265215, MONDO:0018921.

Submission:

Labcorp Genetics (formerly Invitae), Labcorp
Classification: Pathogenic for Joubert syndrome; Meckel-Gruber syndrome. Last evaluated: 2024-09-21. Review status: criteria provided, single submitter. Criteria: Invitae Variant Classification Sherloc (09022015). Collection method: clinical testing. Allele origin: germline.
Comment: This sequence change creates a premature translational stop signal (p.Trp462*) in the TCTN2 gene. It is expected to result in an absent or disrupted protein product. Loss-of-function variants in TCTN2 are known to be pathogenic (PMID: 21565611). This variant is present in population databases (no rsID available, gnomAD 0.01%). This variant has not been reported in the literature in individuals affected with TCTN2-related conditions. Algorithms developed to predict the effect of sequence changes on RNA splicing suggest that this variant may disrupt the consensus splice site. For these reasons, this variant has been classified as Pathogenic.

Literature cited by the submitters: PubMed 21565611.

NM_024809.5(TCTN2):c.1385G>A (p.Trp462Ter)

Gene: TCTN2 (tectonic family member 2; plus strand). Cytogenetic location: 12q24.31.
Variant type: single nucleotide variant.
Coding change: c.1385G>A on transcript NM_024809.5 (MANE Select); coding-DNA position 1385, G replaced by A.
Protein change: p.Trp462Ter; replaces tryptophan 462 with a stop codon.
Molecular consequence: nonsense.
Genome position (GRCh38, 1-based): chr12:123,696,487, G>A. VCF-style: chr12-123696487-G-A. GRCh37 (hg19) VCF-style: chr12-124181034-G-A.
Other names: c.1382G>A, p.Trp461Ter (NM_001143850.3); c.1250G>A, p.Trp417Ter (NM_001410989.1); short protein forms W417*, W461*, W462*.
Identifiers: ClinVar variation 3760929 (VCV003760929.2).